The following is an entry in ClinVar:

NM_000138.5(FBN1):c.1097G>A (p.Trp366Ter)

Genes: FBN1 (fibrillin 1; minus strand), LOC113939944 (Sharpr-MPRA regulatory region 9539; plus strand). Cytogenetic location: 15q21.1.
Variant type: single nucleotide variant.
Coding change: c.1097G>A on transcript NM_000138.5 (MANE Select); coding-DNA position 1097, G replaced by A.
Protein change: p.Trp366Ter; replaces tryptophan 366 with a stop codon.
Molecular consequence: nonsense.
Genome position (GRCh38, 1-based): chr15:48,520,709, C>T on the plus strand (G>A on the coding strand, the complement: FBN1 is on the minus strand). VCF-style: chr15-48520709-C-T. GRCh37 (hg19) VCF-style: chr15-48812906-C-T.
Other names: c.1097G>A, p.Trp366Ter (NM_001406716.1); short protein forms W366*.
Identifiers: ClinVar variation 4685847 (VCV004685847.1).

ClinVar aggregate classification (germline): Pathogenic (1 of 4 stars; one submission).

Submission:

ARUP Laboratories, Molecular Genetics and Genomics, ARUP Laboratories
Classification: Pathogenic. Last evaluated: 2025-05-23. Review status: criteria provided, single submitter. Criteria: ARUP Molecular Germline Variant Investigation Process 2024. Collection method: clinical testing. Allele origin: germline.
Comment: The FBN1 c.1097G>A; p.Trp366Ter variant is reported in the literature in individuals affected with Marfan syndrome (Comeglio 2007, Kagan 2023). This variant is absent from the Genome Aggregation Database (v2.1.1), indicating it is not a common polymorphism. Additionally, another variant at this codon resulting in the same nonsense variant (c.1098G>A; p.Trp366Ter) has been reported in an individual with Marfan syndrome (Yoo 2010). The c.1097G>A; p.Trp366Ter variant induces an early termination codon and is predicted to result in a truncated protein or mRNA subject to nonsense-mediated decay. Based on available information, this variant is considered to be pathogenic. References: Comeglio P et al. The importance of mutation detection in Marfan syndrome and Marfan-related disorders: report of 193 FBN1 mutations. Hum Mutat. 2007 Sep;28(9):928. PMID: 17657824. Kagan M et al. Clinical impact of exome sequencing in the setting of a general pediatric ward for hospitalized children with suspected genetic disorders. Front Genet. 2023 Jan 9;13:1018062. PMID: 36699461. Yoo EH et al. Clinical and genetic analysis of Korean patients with Marfan syndrome: possible ethnic differences in clinical manifestation. Clin Genet. 2010 Feb;77(2):177-82. PMID: 19863550.